The following is an entry in ClinVar:

ClinVar aggregate classification (germline): Uncertain significance (1 of 4 stars; one submission).

Submission:

GeneDx
Classification: Uncertain significance. Last evaluated: 2014-07-14. Review status: criteria provided, single submitter. Criteria: GeneDx Variant Classification (06012015). Collection method: clinical testing. Allele origin: germline. Affected: yes.
Comment: p.Phe294Leu (TTC>TTA): c.882 C>A in exon 5 of the G6PC gene (NM_000151.2). The F294L variant has not been published as a mutation, nor has it been reported as a benign polymorphism to our knowledge. The F294L variant is a conservative amino acid substitution, which is not likely to impact secondary protein structure as these residues share similar properties. This substitution occurs at a position that is conserved across species. In silico analysis predicts this variant likely does not alter the protein structure/function. Missense mutations in nearby residues (R295C, S298P) have been reported in association with glycogen storage disease 1a, supporting the functional importance of this region of the protein. Therefore, based on the currently available information, it is unclear whether this variant is a pathogenic mutation or a rare benign variant. The variant is found in MITONUC-MITOP panel(s).

NM_000151.4(G6PC1):c.882C>A (p.Phe294Leu)

Gene: G6PC1 (glucose-6-phosphatase catalytic subunit 1; plus strand). Cytogenetic location: 17q21.31.
Variant type: single nucleotide variant.
Coding change: c.882C>A on transcript NM_000151.4 (MANE Select); coding-DNA position 882, C replaced by A.
Protein change: p.Phe294Leu; replaces phenylalanine 294 with leucine.
Molecular consequence: missense variant. On other transcripts: 3 prime UTR variant (1).
Genome position (GRCh38, 1-based): chr17:42,911,234, C>A. VCF-style: chr17-42911234-C-A. GRCh37 (hg19) VCF-style: chr17-41063251-C-A.
Other names: p.F294L:TTC>TTA; c.*274C>A (NM_001270397.2); c.882C>A (LRG_147t1); short protein forms F294L.
Identifiers: ClinVar variation 214460 (VCV000214460.2), dbSNP rs863224021, ClinGen allele CA321728.